The following is an entry in ClinVar:

NM_020937.4(FANCM):c.5551A>G (p.Asn1851Asp)

Gene: FANCM (FA complementation group M; plus strand). Cytogenetic location: 14q21.2.
Variant type: single nucleotide variant.
Coding change: c.5551A>G on transcript NM_020937.4 (MANE Select); coding-DNA position 5551, A replaced by G.
Protein change: p.Asn1851Asp; replaces asparagine 1851 with aspartic acid.
Molecular consequence: missense variant.
Genome position (GRCh38, 1-based): chr14:45,196,382, A>G. VCF-style: chr14-45196382-A-G. GRCh37 (hg19) VCF-style: chr14-45665585-A-G.
Other names: c.5473A>G, p.Asn1825Asp (NM_001308133.2); short protein forms N1825D, N1851D.
Identifiers: ClinVar variation 4844539 (VCV004844539.1).

ClinVar aggregate classification (germline): Uncertain significance (1 of 4 stars; one submission).

Conditions:
Inborn genetic diseases. Identifiers: MedGen C0950123, MeSH D030342.

Submission:

Ambry Genetics
Classification: Uncertain significance for Inborn genetic diseases. Last evaluated: 2026-01-19. Review status: criteria provided, single submitter. Criteria: Ambry Variant Classification Scheme 2023. Collection method: clinical testing. Allele origin: germline.
Comment: The p.N1851D variant (also known as c.5551A>G), located in coding exon 21 of the FANCM gene, results from an A to G substitution at nucleotide position 5551. The asparagine at codon 1851 is replaced by aspartic acid, an amino acid with highly similar properties. This amino acid position is conserved. In addition, this alteration is predicted to be tolerated by in silico analysis. Based on the available evidence, the clinical significance of this variant remains unclear.